The following is an entry in ClinVar:

ClinVar aggregate classification (germline): Uncertain significance (1 of 4 stars; one submission).

Conditions:
NADSYN1-related disorder. Also called: NADSYN1-related condition.

gnomAD v4.1: 5 of 1,614,126 alleles (0.00031%); highest among the groups gnomAD compares: East Asian, 0.0022%; no homozygotes.

Submission:

PreventionGenetics, part of Exact Sciences
Classification: Uncertain significance for NADSYN1-related condition. Last evaluated: 2025-04-30. Review status: criteria provided, single submitter. Criteria: ACMG Guidelines, 2015. Collection method: clinical testing. Allele origin: germline.
Comment: The NADSYN1 c.1975G>A variant is predicted to result in the amino acid substitution p.Ala659Thr. To our knowledge, this variant has not been reported in the literature. This variant is reported in 0.0062% of alleles in individuals of African descent in gnomAD. At this time, the clinical significance of this variant is uncertain due to the absence of conclusive functional and genetic evidence.

NM_018161.5(NADSYN1):c.1975G>A (p.Ala659Thr)

Gene: NADSYN1 (NAD synthetase 1; plus strand). Cytogenetic location: 11q13.4.
Variant type: single nucleotide variant.
Coding change: c.1975G>A on transcript NM_018161.5 (MANE Select); coding-DNA position 1975, G replaced by A.
Protein change: p.Ala659Thr; replaces alanine 659 with threonine.
Molecular consequence: missense variant.
Genome position (GRCh38, 1-based): chr11:71,498,433, G>A. VCF-style: chr11-71498433-G-A. GRCh37 (hg19) VCF-style: chr11-71209479-G-A.
Other names: short protein forms A659T.
Identifiers: ClinVar variation 4987872 (VCV004987872.1).